The following is an entry in ClinVar:

ClinVar aggregate classification (germline): Uncertain significance. Review status: criteria provided, multiple submitters, no conflicts (2 of 4 stars). 4 submissions from 4 submitters: Uncertain significance (4). Last evaluated 2026-03-25.

Conditions:
Hereditary cancer-predisposing syndrome. Also called: Tumor predisposition; Hereditary neoplastic syndrome; Neoplastic Syndromes, Hereditary; Hereditary Cancer Syndrome. Identifiers: Orphanet 140162, MedGen C0027672, MeSH D009386, MONDO:0015356.
Classic or attenuated familial adenomatous polyposis. Identifiers: MedGen CN372698, MONDO:0021057.
Familial adenomatous polyposis 1 (FAP1). Also called: FAMILIAL ADENOMATOUS POLYPOSIS 1, ATTENUATED; POLYPOSIS, ADENOMATOUS INTESTINAL. Identifiers: MedGen C2713442, MONDO:0021056, OMIM 175100. Disease mechanism: loss of function.

Submissions (4):

Dasa
Classification: Uncertain significance. Last evaluated: 2026-03-25. Review status: criteria provided, single submitter. Criteria: DASA Assertion Criteria. Collection method: clinical testing. Allele origin: germline.
Comment: NM_000038.6(APC):c.4489C>G (p.Pro1497Ala) is a missense variant that results in the substitution of proline with alanine. This variant is absent from population databases. The currently available literature and clinical evidence are not sufficient to establish a definitive association between this variant and the reported condition. Therefore, this variant is classified as a variant of uncertain significance.

Labcorp Genetics (formerly Invitae), Labcorp
Classification: Uncertain significance for Familial adenomatous polyposis 1. Last evaluated: 2025-07-14. Review status: criteria provided, single submitter. Criteria: Invitae Variant Classification Sherloc (09022015). Collection method: clinical testing. Allele origin: germline.
Comment: This sequence change replaces proline, which is neutral and non-polar, with alanine, which is neutral and non-polar, at codon 1497 of the APC protein (p.Pro1497Ala). This variant is not present in population databases (gnomAD no frequency). This variant has not been reported in the literature in individuals affected with APC-related conditions. ClinVar contains an entry for this variant (Variation ID: 485158). Invitae Evidence Modeling of protein sequence and biophysical properties (such as structural, functional, and spatial information, amino acid conservation, physicochemical variation, residue mobility, and thermodynamic stability) indicates that this missense variant is not expected to disrupt APC protein function with a negative predictive value of 95%. In summary, the available evidence is currently insufficient to determine the role of this variant in disease. Therefore, it has been classified as a Variant of Uncertain Significance.

All of Us Research Program, National Institutes of Health
Classification: Uncertain significance for Classic or attenuated familial adenomatous polyposis. Last evaluated: 2024-06-09. Review status: criteria provided, single submitter. Criteria: ACMG Guidelines, 2015. Collection method: clinical testing. Allele origin: germline. Inheritance: Autosomal dominant inheritance. Observed: 1 variant allele, 1 heterozygote.
Comment: This missense variant replaces proline with alanine at codon 1497 of the APC protein. Computational prediction is inconclusive regarding the impact of this variant on protein structure and function (internally defined REVEL score threshold 0.5 < inconclusive < 0.7, PMID: 27666373). To our knowledge, functional studies have not been reported for this variant. This variant has not been reported in individuals affected with APC-related disorders in the literature. This variant has not been identified in the general population by the Genome Aggregation Database (gnomAD). The available evidence is insufficient to determine the role of this variant in disease conclusively. Therefore, this variant is classified as a Variant of Uncertain Significance.

This study involves interpretation of variants in research participants for the purpose of population health screening. Participant phenotype was not available at the time of variant classification. Additional details can be found in publication PMID: 35346344, PMCID: PMC8962531

Ambry Genetics
Classification: Uncertain significance for Hereditary cancer-predisposing syndrome. Last evaluated: 2017-06-22. Review status: criteria provided, single submitter. Criteria: Ambry Variant Classification Scheme 2023. Collection method: clinical testing. Allele origin: germline.
Comment: The p.P1497A variant (also known as c.4489C>G), located in coding exon 15 of the APC gene, results from a C to G substitution at nucleotide position 4489. The proline at codon 1497 is replaced by alanine, an amino acid with highly similar properties. This amino acid position is highly conserved in available vertebrate species. In addition, in silico predictors for this gene do not accurately predict pathogenicity. Since supporting evidence is limited at this time, the clinical significance of this alteration remains unclear.

NM_000038.6(APC):c.4489C>G (p.Pro1497Ala)

Gene: APC (APC regulator of Wnt signaling pathway; plus strand). Cytogenetic location: 5q22.2.
Variant type: single nucleotide variant.
Coding change: c.4489C>G on transcript NM_000038.6 (MANE Select); coding-DNA position 4489, C replaced by G.
Protein change: p.Pro1497Ala; replaces proline 1497 with alanine.
Molecular consequence: missense variant.
Genome position (GRCh38, 1-based): chr5:112,840,083, C>G. VCF-style: chr5-112840083-C-G. GRCh37 (hg19) VCF-style: chr5-112175780-C-G.
Other names: c.4489C>G, p.Pro1497Ala (NM_001127510.3, NM_001354895.2); c.4435C>G, p.Pro1479Ala (NM_001127511.3); c.4543C>G, p.Pro1515Ala (NM_001354896.2); c.4519C>G, p.Pro1507Ala (NM_001354897.2); c.4414C>G, p.Pro1472Ala (NM_001354898.2); c.4405C>G, p.Pro1469Ala (NM_001354899.2); c.4366C>G, p.Pro1456Ala (NM_001354900.2); c.4312C>G, p.Pro1438Ala (NM_001354901.2); and 5 more; short protein forms P1497A, P1479A, P1214A, P1456A, P1469A, P1337A, P1371A, P1507A.
Identifiers: ClinVar variation 485158 (VCV000485158.17), dbSNP rs1554085921, ClinGen allele CA16031157.